The following is an entry in ClinVar:

ClinVar aggregate classification (germline): Likely benign (1 of 4 stars; one submission).

Allele frequency attached by ClinVar (database versions not stated): gnomAD 0.00003; gnomAD exomes 0.00004; TOPMed 0.00004; ExAC 0.00008.

Submission:

CeGaT Center for Human Genetics Tuebingen
Classification: Likely benign. Last evaluated: 2023-02-01. Review status: criteria provided, single submitter. Criteria: CeGaT Center For Human Genetics Tuebingen Variant Classification Criteria Version 2. Collection method: clinical testing. Allele origin: germline. Affected: yes. Observed: 1 variant allele.
Comment: MUC16: BP4, BP7

NM_001401501.2(MUC16):c.34962G>A (p.Thr11654=)

Gene: MUC16 (mucin 16, cell surface associated; minus strand). Cytogenetic location: 19p13.2.
Variant type: single nucleotide variant.
Coding change: c.34962G>A on transcript NM_001401501.2 (MANE Select); coding-DNA position 34962, G replaced by A.
Protein change: p.Thr11654=; no amino-acid change (threonine 11654 retained).
Molecular consequence: synonymous variant.
Genome position (GRCh38, 1-based): chr19:8,936,113, C>T on the plus strand (G>A on the coding strand, the complement: MUC16 is on the minus strand). VCF-style: chr19-8936113-C-T. GRCh37 (hg19) VCF-style: chr19-9046789-C-T.
Other names: c.35388G>A, p.Thr11796= (NM_001414686.1); c.34842G>A, p.Thr11614= (NM_001414687.1, NM_024690.2).
Identifiers: ClinVar variation 2649230 (VCV002649230.24), dbSNP rs762129337, ClinGen allele CA9166126.